The following is an entry in ClinVar:

NM_017934.7(PHIP):c.897C>G (p.Leu299=)

Gene: PHIP (PHIP subunit of CUL4-Ring ligase complex; minus strand). Cytogenetic location: 6q14.1.
Variant type: single nucleotide variant.
Coding change: c.897C>G on transcript NM_017934.7 (MANE Select); coding-DNA position 897, C replaced by G.
Protein change: p.Leu299=; no amino-acid change (leucine 299 retained).
Molecular consequence: synonymous variant.
Genome position (GRCh38, 1-based): chr6:79,025,545, G>C on the plus strand (C>G on the coding strand, the complement: PHIP is on the minus strand). VCF-style: chr6-79025545-G-C. GRCh37 (hg19) VCF-style: chr6-79735262-G-C.
Identifiers: ClinVar variation 3352925 (VCV003352925.1).

ClinVar aggregate classification (germline): Likely benign (0 of 4 stars; one submission).

Conditions:
PHIP-related disorder. Also called: PHIP-related condition; PHIP-related disorders.

gnomAD v4.1: 2 of 1,608,624 alleles (0.00012%); highest among the groups gnomAD compares: Middle Eastern, 0.017%; no homozygotes.

Submission:

PreventionGenetics, part of Exact Sciences
Classification: Likely benign for PHIP-related condition. Last evaluated: 2024-04-12. Review status: no assertion criteria provided. Collection method: clinical testing. Allele origin: germline.
Comment: This variant is classified as likely benign based on ACMG/AMP sequence variant interpretation guidelines (Richards et al. 2015 PMID: 25741868, with internal and published modifications).